The following is an entry in ClinVar:

NM_002049.4(GATA1):c.209G>C (p.Arg70Thr)

Gene: GATA1 (GATA binding protein 1; plus strand). Cytogenetic location: Xp11.23.
Variant type: single nucleotide variant.
Coding change: c.209G>C on transcript NM_002049.4 (MANE Select); coding-DNA position 209, G replaced by C.
Protein change: p.Arg70Thr; replaces arginine 70 with threonine.
Molecular consequence: missense variant.
Genome position (GRCh38, 1-based): chrX:48,791,318, G>C. VCF-style: chrX-48791318-G-C. GRCh37 (hg19) VCF-style: chrX-48649725-G-C.
Other names: short protein forms R70T.
Identifiers: ClinVar variation 2927115 (VCV002927115.3), dbSNP rs1029589980, ClinGen allele CA329106065.
Genomic context (GRCh38, chrX:48,791,318, plus strand): 5'-CGAGCACAGCCACCGCTGCAGCTGCGGCACTGGCCTACTACAGGGACGCTGAGGCCTACA[G>C]ACACTCCCCAGGTAACTCCATTGAGTGGCTGTCTTGGCATTGGCTGAGTGCTGTTGGGGT-3'
Protein context (NP_002040.1, residues 60-80): LAYYRDAEAY[Arg70Thr]HSPVFQVYPL

ClinVar aggregate classification (germline): Uncertain significance (1 of 4 stars; one submission).

Conditions:
Diamond-Blackfan anemia. Also called: Blackfan Diamond syndrome; Aregenerative anemia chronic congenital; Red cell aplasia, pure hereditary; Congenital hypoplastic anemia; Aase syndrome. Identifiers: Orphanet 124, MedGen C1260899, MeSH D029503, MONDO:0015253, HP:0004810.
GATA binding protein 1 related thrombocytopenia with dyserythropoiesis. Also called: GATA1-Related Cytopenia; GATA1-Related X-Linked Cytopenia. Identifiers: MedGen C1845837, MONDO:0100089.

Submission:

Labcorp Genetics (formerly Invitae), Labcorp
Classification: Uncertain significance for GATA binding protein 1 related thrombocytopenia with dyserythropoiesis; Diamond-Blackfan anemia. Last evaluated: 2024-01-29. Review status: criteria provided, single submitter. Criteria: Invitae Variant Classification Sherloc (09022015). Collection method: clinical testing. Allele origin: germline.
Comment: This sequence change replaces arginine, which is basic and polar, with threonine, which is neutral and polar, at codon 70 of the GATA1 protein (p.Arg70Thr). The frequency data for this variant in the population databases is considered unreliable, as metrics indicate poor data quality at this position in the gnomAD database. This variant has not been reported in the literature in individuals affected with GATA1-related conditions. Advanced modeling of protein sequence and biophysical properties (such as structural, functional, and spatial information, amino acid conservation, physicochemical variation, residue mobility, and thermodynamic stability) performed at Invitae indicates that this missense variant is not expected to disrupt GATA1 protein function with a negative predictive value of 80%. In summary, the available evidence is currently insufficient to determine the role of this variant in disease. Therefore, it has been classified as a Variant of Uncertain Significance.